The following is an entry in ClinVar:

NM_015909.4(NBAS):c.5467A>T (p.Ile1823Phe)

Gene: NBAS (NBAS subunit of NRZ tethering complex; minus strand). Cytogenetic location: 2p24.3.
Variant type: single nucleotide variant.
Coding change: c.5467A>T on transcript NM_015909.4 (MANE Select); coding-DNA position 5467, A replaced by T.
Protein change: p.Ile1823Phe; replaces isoleucine 1823 with phenylalanine.
Molecular consequence: missense variant. On other transcripts: non-coding transcript variant (1).
Genome position (GRCh38, 1-based): chr2:15,275,741, T>A on the plus strand (A>T on the coding strand, the complement: NBAS is on the minus strand). VCF-style: chr2-15275741-T-A. GRCh37 (hg19) VCF-style: chr2-15415865-T-A.
Other names: short protein forms I1823F.
Identifiers: ClinVar variation 801649 (VCV000801649.9), dbSNP rs201084909, ClinGen allele CA1535285.

ClinVar aggregate classification (germline): Conflicting classifications of pathogenicity. Review status: criteria provided, conflicting classifications (1 of 4 stars). 5 submissions from 5 submitters: Likely pathogenic (1); Uncertain significance (1); Likely benign (1). 2 of the submissions do not count toward it. Last evaluated 2026-01-23.

Conditions:
Infantile liver failure syndrome 2 (ILFS2). Identifiers: MedGen C3809651, MONDO:0014659, OMIM 616483.

Allele frequency attached by ClinVar (database versions not stated): gnomAD exomes 0.00042; gnomAD 0.00045 and 0.00047; ExAC 0.00051; TOPMed 0.00052; ESP Exome Variant Server 0.00085.
gnomAD v4.1: 1,145 of 1,614,050 alleles (0.071%); highest among the groups gnomAD compares: Non-Finnish European, 0.093%; 2 homozygotes.

Submissions (5):

Labcorp Genetics (formerly Invitae), Labcorp
Classification: Likely benign. Last evaluated: 2026-01-23. Review status: criteria provided, single submitter. Criteria: Invitae Variant Classification Sherloc (09022015). Collection method: clinical testing. Allele origin: germline.

Women's Health and Genetics/Laboratory Corporation of America, LabCorp
Classification: Uncertain significance. Last evaluated: 2024-06-03. Review status: criteria provided, single submitter. Criteria: LabCorp Variant Classification Summary - May 2015. Collection method: clinical testing. Allele origin: germline.
Comment: Variant summary: NBAS c.5467A>T (p.Ile1823Phe) results in a non-conservative amino acid change in the encoded protein sequence. Four of five in-silico tools predict a damaging effect of the variant on protein function. The variant allele was found at a frequency of 0.00042 in 251008 control chromosomes in the gnomAD database, including 1 homozygote. This frequency is not significantly higher than estimated for a pathogenic variant in NBAS causing Liver Failure Acute Infantile, Type 2 (0.00042 vs 0.0011), allowing no conclusion about variant significance. c.5467A>T has been reported in the literature in individuals affected with Liver Failure Acute Infantile, Type 2 (e.g., Nazmi_2021). However, this report does not provide convincing conclusions about association of the variant with Liver Failure Acute Infantile, Type 2. To our knowledge, no experimental evidence demonstrating an impact on protein function has been reported. The following publication was ascertained in the context of this evaluation (PMID: 34396667). ClinVar contains an entry for this variant (Variation ID: 801649). Based on the evidence outlined above, the variant was classified as uncertain significance.

Mendelics
Classification: Likely pathogenic for Infantile liver failure syndrome 2. Last evaluated: 2019-05-28. Review status: criteria provided, single submitter. Criteria: Mendelics Assertion Criteria 2017. Collection method: clinical testing. Allele origin: unknown.

Clinical Genetics DNA and cytogenetics Diagnostics Lab, Erasmus MC, Erasmus Medical Center
Classification: Uncertain significance. Review status: no assertion criteria provided. Collection method: clinical testing. Allele origin: germline. Affected: yes. Study: VKGL Data-share Consensus. Not counted in ClinVar's aggregate classification.

Laboratory of Diagnostic Genome Analysis, Leiden University Medical Center (LUMC)
Classification: Uncertain significance. Review status: no assertion criteria provided. Collection method: clinical testing. Allele origin: germline. Affected: yes. Study: VKGL Data-share Consensus. Not counted in ClinVar's aggregate classification.

Literature cited by the submitters: PubMed 34396667 (cited by Women's Health and Genetics/Laboratory Corporation of America, LabCorp).